The following is an entry in ClinVar:

NM_000414.4(HSD17B4):c.1710A>G (p.Gly570=)

Gene: HSD17B4 (hydroxysteroid 17-beta dehydrogenase 4; plus strand). Cytogenetic location: 5q23.1.
Variant type: single nucleotide variant.
Coding change: c.1710A>G on transcript NM_000414.4 (MANE Select); coding-DNA position 1710, A replaced by G.
Protein change: p.Gly570=; no amino-acid change (glycine 570 retained).
Molecular consequence: synonymous variant. On other transcripts: non-coding transcript variant (2).
Genome position (GRCh38, 1-based): chr5:119,527,162, A>G. VCF-style: chr5-119527162-A-G. GRCh37 (hg19) VCF-style: chr5-118862857-A-G.
Other names: c.1785A>G, p.Gly595= (NM_001199291.3); c.1656A>G, p.Gly552= (NM_001199292.2); c.1638A>G, p.Gly546= (NM_001292027.2, NM_001374498.1); c.1290A>G, p.Gly430= (NM_001292028.2); c.1701A>G, p.Gly567= (NM_001374497.1); c.1383A>G, p.Gly461= (NM_001374499.1); c.1269A>G, p.Gly423= (NM_001374500.1); c.1299A>G, p.Gly433= (NM_001374501.1, NM_001374502.1, NM_001374503.1).
Identifiers: ClinVar variation 797160 (VCV000797160.11), dbSNP rs751248561, ClinGen allele CA3382372.

ClinVar aggregate classification (germline): Likely benign. Review status: criteria provided, multiple submitters, no conflicts (2 of 4 stars). 2 submissions from 2 submitters: Likely benign (2). Last evaluated 2026-07-14.

Conditions:
HSD17B4-related disorder. Also called: HSD17B4-related disorders; HSD17B4-related condition.
Perrault syndrome. Also called: Gonadal dysgenesis with auditory dysfunction, autosomal recessive inheritance. Identifiers: Orphanet 2855, MedGen C0685838, MONDO:0017312.
Bifunctional peroxisomal enzyme deficiency (DBIF). Also called: DBP DEFICIENCY; PBFE DEFICIENCY; D-bifunctional protein deficiency. Identifiers: Orphanet 300, MedGen C0342870, MONDO:0009855, OMIM 261515. Disease mechanism: loss of function.

Allele frequency attached by ClinVar (database versions not stated): TOPMed below 0.00001; gnomAD exomes 0.00001; ExAC 0.00002.

Submissions (2):

PreventionGenetics, part of Exact Sciences
Classification: Likely benign for HSD17B4-related condition. Last evaluated: 2026-07-14. Review status: criteria provided, single submitter. Criteria: ACMG Guidelines, 2015. Collection method: clinical testing. Allele origin: germline.
Comment: This variant is classified as likely benign based on ACMG/AMP sequence variant interpretation guidelines (Richards et al. 2015 PMID: 25741868, with internal and published modifications).

Labcorp Genetics (formerly Invitae), Labcorp
Classification: Likely benign for Perrault syndrome; Bifunctional peroxisomal enzyme deficiency. Last evaluated: 2023-10-11. Review status: criteria provided, single submitter. Criteria: Invitae Variant Classification Sherloc (09022015). Collection method: clinical testing. Allele origin: germline.